The following is an entry in ClinVar:

ClinVar aggregate classification (germline): Uncertain significance (1 of 4 stars; one submission).

Conditions:
Catecholaminergic polymorphic ventricular tachycardia 1. Also called: VENTRICULAR TACHYCARDIA, STRESS-INDUCED POLYMORPHIC 1; RYR2-Related Catecholaminergic Polymorphic Ventricular Tachycardia; VENTRICULAR TACHYCARDIA, CATECHOLAMINERGIC POLYMORPHIC, 1, WITH OR WITHOUT ATRIAL DYSFUNCTION AND/OR DILATED CARDIOMYOPATHY. Identifiers: Orphanet 3286, MedGen C1631597, MONDO:0011484, OMIM 604772.

Submission:

Labcorp Genetics (formerly Invitae), Labcorp
Classification: Uncertain significance for Catecholaminergic polymorphic ventricular tachycardia 1. Last evaluated: 2019-04-02. Review status: criteria provided, single submitter. Criteria: Invitae Variant Classification Sherloc (09022015). Collection method: clinical testing. Allele origin: germline.
Comment: Algorithms developed to predict the effect of missense changes on protein structure and function are either unavailable or do not agree on the potential impact of this missense change (SIFT: "Deleterious"; PolyPhen-2: "Probably Damaging"; Align-GVGD: "Class C15"). This variant has not been reported in the literature in individuals with RYR2-related conditions. This variant is not present in population databases (ExAC no frequency). This sequence change replaces aspartic acid with asparagine at codon 3365 of the RYR2 protein (p.Asp3365Asn). The aspartic acid residue is highly conserved and there is a small physicochemical difference between aspartic acid and asparagine. In summary, the available evidence is currently insufficient to determine the role of this variant in disease. Therefore, it has been classified as a Variant of Uncertain Significance.

NM_001035.3(RYR2):c.10093G>A (p.Asp3365Asn)

Gene: RYR2 (ryanodine receptor 2; plus strand). Cytogenetic location: 1q43.
Variant type: single nucleotide variant.
Coding change: c.10093G>A on transcript NM_001035.3 (MANE Select); coding-DNA position 10093, G replaced by A.
Protein change: p.Asp3365Asn; replaces aspartic acid 3365 with asparagine.
Molecular consequence: missense variant.
Genome position (GRCh38, 1-based): chr1:237,709,049, G>A. VCF-style: chr1-237709049-G-A. GRCh37 (hg19) VCF-style: chr1-237872349-G-A.
Other names: short protein forms D3365N.
Identifiers: ClinVar variation 951792 (VCV000951792.11), dbSNP rs1688609248, ClinGen allele CA345411089.
Genomic context (GRCh38, chr1:237,709,049, plus strand): 5'-AGGGGGGACATGTCGGAGGCAGAACTCCTCATCCTAGATGAGTTCACCACACTGGCCAGA[G>A]ATCTCTATGCCTTCTACCCTCTCTTGATTAGATTTGTGGACTATAACAGGTATGATCAAA-3'
Protein context (NP_001026.2, residues 3355-3375): ILDEFTTLAR[Asp3365Asn]LYAFYPLLIR